The following is an entry in ClinVar:

ClinVar aggregate classification (germline): Pathogenic. Review status: criteria provided, multiple submitters, no conflicts (2 of 4 stars). 4 submissions from 4 submitters: Pathogenic (4). Last evaluated 2025-10-03.

Conditions:
Hereditary cancer-predisposing syndrome. Also called: Hereditary neoplastic syndrome; Tumor predisposition; Hereditary Cancer Syndrome; Neoplastic Syndromes, Hereditary. Identifiers: Orphanet 140162, MedGen C0027672, MeSH D009386, MONDO:0015356.
Familial cancer of breast. Also called: Hereditary breast cancer; hereditary breast carcinoma; BREAST CANCER, FAMILIAL. Identifiers: Orphanet 227535, MedGen C0346153, MONDO:0016419, OMIM 114480. Disease mechanism: loss of function.

Submissions (4):

Ambry Genetics
Classification: Pathogenic for Hereditary cancer-predisposing syndrome. Last evaluated: 2025-10-03. Review status: criteria provided, single submitter. Criteria: Ambry Variant Classification Scheme 2023. Collection method: clinical testing. Allele origin: germline.
Comment: The c.1546dupA pathogenic mutation, located in coding exon 4 of the PALB2 gene, results from a duplication of A at nucleotide position 1546, causing a translational frameshift with a predicted alternate stop codon (p.R516Kfs*13). This variant is considered to be rare based on population cohorts in the Genome Aggregation Database (gnomAD). This alteration is expected to result in loss of function by premature protein truncation or nonsense-mediated mRNA decay. As such, this alteration is interpreted as a disease-causing mutation.

Labcorp Genetics (formerly Invitae), Labcorp
Classification: Pathogenic for Familial cancer of breast. Last evaluated: 2025-01-21. Review status: criteria provided, single submitter. Criteria: Invitae Variant Classification Sherloc (09022015). Collection method: clinical testing. Allele origin: germline.
Comment: This sequence change creates a premature translational stop signal (p.Arg516Lysfs*13) in the PALB2 gene. It is expected to result in an absent or disrupted protein product. Loss-of-function variants in PALB2 are known to be pathogenic (PMID: 17200668, 17200671, 17200672, 24136930, 25099575). This variant is not present in population databases (gnomAD no frequency). This variant has not been reported in the literature in individuals affected with PALB2-related conditions. ClinVar contains an entry for this variant (Variation ID: 492165). For these reasons, this variant has been classified as Pathogenic.

Myriad Genetics, Inc.
Classification: Pathogenic for Familial cancer of breast. Last evaluated: 2023-09-11. Review status: criteria provided, single submitter. Criteria: Myriad Autosomal Dominant, Autosomal Recessive and X-Linked Classification Criteria (2023). Collection method: clinical testing. Allele origin: unknown.
Comment: This variant is considered pathogenic. This variant creates a frameshift predicted to result in premature protein truncation.

Color Diagnostics, LLC DBA Color Health
Classification: Pathogenic for Hereditary cancer-predisposing syndrome. Last evaluated: 2020-03-19. Review status: criteria provided, single submitter. Criteria: ACMG Guidelines, 2015. Collection method: clinical testing. Allele origin: germline.
Comment: This variant inserts 1 nucleotide in exon 4 of the PALB2 gene, creating a frameshift and premature translation stop signal. This variant is expected to result in an absent or non-functional protein product. To our knowledge, this variant has not been reported in individuals affected with hereditary cancer in the literature. This variant has not been identified in the general population by the Genome Aggregation Database (gnomAD). Loss of PALB2 function is a known mechanism of disease. Based on the available evidence, this variant is classified as Pathogenic.

Literature cited by the submitters: PubMed 17200668 (cited by Labcorp Genetics (formerly Invitae), Labcorp); PubMed 17200671 (cited by Labcorp Genetics (formerly Invitae), Labcorp); PubMed 17200672 (cited by Labcorp Genetics (formerly Invitae), Labcorp); PubMed 24136930 (cited by Labcorp Genetics (formerly Invitae), Labcorp); PubMed 25099575 (cited by Labcorp Genetics (formerly Invitae), Labcorp).

NM_024675.4(PALB2):c.1546dup (p.Arg516fs)

Gene: PALB2 (partner and localizer of BRCA2; minus strand). Cytogenetic location: 16p12.2.
Variant type: Duplication.
Coding change: c.1546dup on transcript NM_024675.4 (MANE Select); coding-DNA position 1546, one base duplicated (A; older notation c.1546dupA).
Protein change: p.Arg516fs; shifts the reading frame from arginine 516.
Molecular consequence: frameshift variant.
Genome position (GRCh38, 1-based): chr16:23,635,000, T duplicated on the plus strand (A on the coding strand, the reverse complement: PALB2 is on the minus strand); the first of 5 consecutive T bases (chr16:23,635,000-23,635,004); duplicating any one gives the same sequence. VCF-style (leftmost placement, unchanged base first): chr16-23634999-C-CT. GRCh37 (hg19) VCF-style: chr16-23646320-C-CT.
Other names: c.1546dupA (NM_024675.3); short protein forms R516fs.
Identifiers: ClinVar variation 492165 (VCV000492165.15), dbSNP rs587781560, ClinGen allele CA658683909.
Genomic context (GRCh38, chr16:23,634,999, plus strand): 5'-AGGCTAGAAGTTGGCAAAAGTGGTTCACAATGATCTGATGCTGGGGTGCAGGCTGATTTT[C>CT]TTTTTCCTGTGTATCTTCTACCAGGTGCTTGGGCAACTGCCTTCCTAGACAAGTCATTAT-3'